The following is an entry in ClinVar:

NM_000051.4(ATM):c.2638+1G>A

Gene: ATM (ATM serine/threonine kinase; plus strand). Cytogenetic location: 11q22.3.
Variant type: single nucleotide variant.
Coding change: c.2638+1G>A on transcript NM_000051.4 (MANE Select); the canonical splice donor site of the intron after coding-DNA position 2638, G replaced by A.
Molecular consequence: splice donor variant.
Genome position (GRCh38, 1-based): chr11:108,267,343, G>A. VCF-style: chr11-108267343-G-A. GRCh37 (hg19) VCF-style: chr11-108138070-G-A.
Other names: c.2638+1G>A (NM_001351834.2).
Identifiers: ClinVar variation 4867007 (VCV004867007.1).

ClinVar aggregate classification (germline): Likely pathogenic (1 of 4 stars; one submission).

Conditions:
Hereditary cancer-predisposing syndrome. Also called: Neoplastic Syndromes, Hereditary; Tumor predisposition; Hereditary Cancer Syndrome; Hereditary neoplastic syndrome. Identifiers: Orphanet 140162, MedGen C0027672, MeSH D009386, MONDO:0015356.

gnomAD v4.1: 1 of 1,613,498 alleles (0.000062%); no homozygotes.

Submission:

Ambry Genetics
Classification: Likely pathogenic for Hereditary cancer-predisposing syndrome. Last evaluated: 2026-05-22. Review status: criteria provided, single submitter. Criteria: Ambry Variant Classification Scheme 2023. Collection method: clinical testing. Allele origin: germline.
Comment: The c.2638+1G>A intronic variant results from a G to A substitution one nucleotide after coding exon 16 of the ATM gene. This variant is considered to be rare based on population cohorts in the Genome Aggregation Database (gnomAD). This nucleotide position is highly conserved in available vertebrate species. In silico splice site analysis predicts that this alteration will weaken the native splice donor site. Variants that disrupt the canonical splice site are expected to cause aberrant splicing, resulting in an abnormal protein or a transcript that is subject to nonsense-mediated mRNA decay. As such, this variant is classified as likely pathogenic.